The following is an entry in ClinVar:

NM_015629.4(PRPF31):c.508A>G (p.Thr170Ala)

Gene: PRPF31 (pre-mRNA processing factor 31; plus strand). Cytogenetic location: 19q13.42.
Variant type: single nucleotide variant.
Coding change: c.508A>G on transcript NM_015629.4 (MANE Select); coding-DNA position 508, A replaced by G.
Protein change: p.Thr170Ala; replaces threonine 170 with alanine.
Molecular consequence: missense variant.
Genome position (GRCh38, 1-based): chr19:54,123,541, A>G. VCF-style: chr19-54123541-A-G. GRCh37 (hg19) VCF-style: chr19-54626920-A-G.
Other names: short protein forms T170A.
Identifiers: ClinVar variation 3725609 (VCV003725609.2).

ClinVar aggregate classification (germline): Uncertain significance (1 of 4 stars; one submission).

gnomAD v4.1: 1 of 1,613,994 alleles (0.000062%); highest among the groups gnomAD compares: Non-Finnish European, 0.000085%; no homozygotes.

Submission:

Labcorp Genetics (formerly Invitae), Labcorp
Classification: Uncertain significance. Last evaluated: 2024-11-19. Review status: criteria provided, single submitter. Criteria: Invitae Variant Classification Sherloc (09022015). Collection method: clinical testing. Allele origin: germline.
Comment: This sequence change replaces threonine, which is neutral and polar, with alanine, which is neutral and non-polar, at codon 170 of the PRPF31 protein (p.Thr170Ala). This variant is not present in population databases (gnomAD no frequency). This variant has not been reported in the literature in individuals affected with PRPF31-related conditions. An algorithm developed to predict the effect of missense changes on protein structure and function (PolyPhen-2) suggests that this variant is likely to be disruptive. In summary, the available evidence is currently insufficient to determine the role of this variant in disease. Therefore, it has been classified as a Variant of Uncertain Significance.